The following is an entry in ClinVar:

NM_006231.4(POLE):c.167C>T (p.Pro56Leu)

Gene: POLE (DNA polymerase epsilon, catalytic subunit; minus strand). Cytogenetic location: 12q24.33.
Variant type: single nucleotide variant.
Coding change: c.167C>T on transcript NM_006231.4 (MANE Select); coding-DNA position 167, C replaced by T.
Protein change: p.Pro56Leu; replaces proline 56 with leucine.
Molecular consequence: missense variant.
Genome position (GRCh38, 1-based): chr12:132,681,175, G>A on the plus strand (C>T on the coding strand, the complement: POLE is on the minus strand). VCF-style: chr12-132681175-G-A. GRCh37 (hg19) VCF-style: chr12-133257761-G-A.
Other names: short protein forms P56L.
Identifiers: ClinVar variation 473478 (VCV000473478.21), dbSNP rs1555230404, ClinGen allele CA387369843.

ClinVar aggregate classification (germline): Uncertain significance. Review status: criteria provided, multiple submitters, no conflicts (2 of 4 stars). 5 submissions from 5 submitters: Uncertain significance (5). Last evaluated 2025-12-01.

Conditions:
Hereditary cancer-predisposing syndrome. Also called: Neoplastic Syndromes, Hereditary; Tumor predisposition; Hereditary Cancer Syndrome; Hereditary neoplastic syndrome. Identifiers: Orphanet 140162, MedGen C0027672, MeSH D009386, MONDO:0015356.

Submissions (5):

Labcorp Genetics (formerly Invitae), Labcorp
Classification: Uncertain significance. Last evaluated: 2025-12-01. Review status: criteria provided, single submitter. Criteria: Invitae Variant Classification Sherloc (09022015). Collection method: clinical testing. Allele origin: germline.
Comment: This sequence change replaces proline, which is neutral and non-polar, with leucine, which is neutral and non-polar, at codon 56 of the POLE protein (p.Pro56Leu). This variant is not present in population databases (gnomAD no frequency). This variant has not been reported in the literature in individuals affected with POLE-related conditions. ClinVar contains an entry for this variant (Variation ID: 473478). Invitae Evidence Modeling of protein sequence and biophysical properties (such as structural, functional, and spatial information, amino acid conservation, physicochemical variation, residue mobility, and thermodynamic stability) indicates that this missense variant is not expected to disrupt POLE protein function with a negative predictive value of 80%. In summary, the available evidence is currently insufficient to determine the role of this variant in disease. Therefore, it has been classified as a Variant of Uncertain Significance.

Ambry Genetics
Classification: Uncertain significance for Hereditary cancer-predisposing syndrome. Last evaluated: 2025-08-14. Review status: criteria provided, single submitter. Criteria: Ambry Variant Classification Scheme 2023. Collection method: clinical testing. Allele origin: germline.
Comment: The p.P56L variant (also known as c.167C>T), located in coding exon 2 of the POLE gene, results from a C to T substitution at nucleotide position 167. The proline at codon 56 is replaced by leucine, an amino acid with similar properties. This amino acid position is conserved. In addition, this alteration is predicted to be tolerated by in silico analysis. Based on the available evidence, the clinical significance of this variant remains unclear.

Revvity Omics, Revvity
Classification: Uncertain significance. Last evaluated: 2025-01-27. Review status: criteria provided, single submitter. Criteria: ACMG Guidelines, 2015. Collection method: clinical testing. Allele origin: germline.

GeneDx
Classification: Uncertain significance. Last evaluated: 2023-01-10. Review status: criteria provided, single submitter. Criteria: GeneDx Variant Classification Process June 2021. Collection method: clinical testing. Allele origin: germline. Affected: yes.
Comment: Not observed in large population cohorts (gnomAD); In silico analysis, which includes protein predictors and evolutionary conservation, supports a deleterious effect; Has not been previously published as pathogenic or benign to our knowledge

Laboratory for Molecular Medicine, Mass General Brigham Personalized Medicine
Classification: Uncertain significance. Last evaluated: 2018-10-18. Review status: criteria provided, single submitter. Criteria: LMM Criteria. Collection method: clinical testing. Allele origin: germline. Observed: 1 variant allele.
Comment: The p.Pro56Leu variant in POLE has not been reported in the literature in indivi duals with hereditary colorectal cancer, but has been reported by other clinical laboratories in ClinVar (Variation ID: 473478). This variant was absent from la rge population databases. Computational prediction tools and conservation analys is do not provide strong support for or against an impact to the protein. In sum mary, the clinical significance of the p.Pro56Leu variant is uncertain. ACMG/AMP Criteria applied: PM2.